The following is an entry in ClinVar:

NM_002024.6(FMR1):c.637A>G (p.Arg213Gly)

Gene: FMR1 (fragile X messenger ribonucleoprotein 1; plus strand). Cytogenetic location: Xq27.3.
Variant type: single nucleotide variant.
Coding change: c.637A>G on transcript NM_002024.6 (MANE Select); coding-DNA position 637, A replaced by G.
Protein change: p.Arg213Gly; replaces arginine 213 with glycine.
Molecular consequence: missense variant. On other transcripts: non-coding transcript variant (2).
Genome position (GRCh38, 1-based): chrX:147,932,431, A>G. VCF-style: chrX-147932431-A-G. GRCh37 (hg19) VCF-style: chrX-147013950-A-G.
Other names: c.637A>G, p.Arg213Gly (NM_001185075.2, NM_001185076.2, NM_001185081.2 and 1 more transcripts); short protein forms R213G.
Identifiers: ClinVar variation 4056006 (VCV004056006.1).

ClinVar aggregate classification (germline): Uncertain significance (1 of 4 stars; one submission).

Submission:

GeneDx
Classification: Uncertain significance. Last evaluated: 2025-01-05. Review status: criteria provided, single submitter. Criteria: GeneDx Variant Classification Process June 2021. Collection method: clinical testing. Allele origin: germline. Affected: yes.
Comment: Not observed at significant frequency in large population cohorts (gnomAD); In silico analysis supports that this missense variant has a deleterious effect on protein structure/function; Has not been previously published as pathogenic or benign to our knowledge